The following is an entry in ClinVar:

ClinVar aggregate classification (germline): Uncertain significance (1 of 4 stars; one submission).

Submission:

Labcorp Genetics (formerly Invitae), Labcorp
Classification: Uncertain significance. Last evaluated: 2026-01-04. Review status: criteria provided, single submitter. Criteria: Invitae Variant Classification Sherloc (09022015). Collection method: clinical testing. Allele origin: germline.
Comment: This sequence change replaces serine, which is neutral and polar, with leucine, which is neutral and non-polar, at codon 1132 of the LRP6 protein (p.Ser1132Leu). This variant is not present in population databases (gnomAD no frequency). This variant has not been reported in the literature in individuals affected with LRP6-related conditions. An algorithm developed to predict the effect of missense changes on protein structure and function (PolyPhen-2) suggests that this variant is likely to be tolerated. In summary, the available evidence is currently insufficient to determine the role of this variant in disease. Therefore, it has been classified as a Variant of Uncertain Significance.

NM_002336.3(LRP6):c.3395C>T (p.Ser1132Leu)

Gene: LRP6 (LDL receptor related protein 6; minus strand). Cytogenetic location: 12p13.2.
Variant type: single nucleotide variant.
Coding change: c.3395C>T on transcript NM_002336.3 (MANE Select); coding-DNA position 3395, C replaced by T.
Protein change: p.Ser1132Leu; replaces serine 1132 with leucine.
Molecular consequence: missense variant. On other transcripts: non-coding transcript variant (1).
Genome position (GRCh38, 1-based): chr12:12,147,368, G>A on the plus strand (C>T on the coding strand, the complement: LRP6 is on the minus strand). VCF-style: chr12-12147368-G-A. GRCh37 (hg19) VCF-style: chr12-12300302-G-A.
Other names: c.3395C>T, p.Ser1132Leu (NM_001414244.1, NM_001414245.1, NM_001414246.1 and 4 more transcripts); c.3197C>T, p.Ser1066Leu (NM_001414247.1); c.2942C>T, p.Ser981Leu (NM_001414252.1, NM_001414253.1, NM_001414254.1); c.2888C>T, p.Ser963Leu (NM_001414255.1); short protein forms S1066L, S1132L, S963L, S981L.
Identifiers: ClinVar variation 4734310 (VCV004734310.1).